The following is an entry in ClinVar:

ClinVar aggregate classification (germline): Uncertain significance. Review status: criteria provided, multiple submitters, no conflicts (2 of 4 stars). 2 submissions from 2 submitters: Uncertain significance (2). Last evaluated 2025-10-15.

Conditions:
Inborn genetic diseases. Identifiers: MedGen C0950123, MeSH D030342.

Allele frequency attached by ClinVar (database versions not stated): TOPMed below 0.00001; ExAC 0.00001; gnomAD 0.00001.
gnomAD v4.1: 1 of 1,614,106 alleles (0.000062%); highest among the groups gnomAD compares: African/African-American, 0.0013%; no homozygotes.

Submissions (2):

Ambry Genetics
Classification: Uncertain significance for Inborn genetic diseases. Last evaluated: 2025-10-15. Review status: criteria provided, single submitter. Criteria: Ambry Variant Classification Scheme 2023. Collection method: clinical testing. Allele origin: germline.

Labcorp Genetics (formerly Invitae), Labcorp
Classification: Uncertain significance. Last evaluated: 2022-06-08. Review status: criteria provided, single submitter. Criteria: Invitae Variant Classification Sherloc (09022015). Collection method: clinical testing. Allele origin: germline.
Comment: This sequence change replaces tryptophan, which is neutral and slightly polar, with arginine, which is basic and polar, at codon 71 of the ASNS protein (p.Trp71Arg). The frequency data for this variant in the population databases is considered unreliable, as metrics indicate poor data quality at this position in the gnomAD database. This variant has not been reported in the literature in individuals affected with ASNS-related conditions. Advanced modeling of protein sequence and biophysical properties (such as structural, functional, and spatial information, amino acid conservation, physicochemical variation, residue mobility, and thermodynamic stability) performed at Invitae indicates that this missense variant is expected to disrupt ASNS protein function. In summary, the available evidence is currently insufficient to determine the role of this variant in disease. Therefore, it has been classified as a Variant of Uncertain Significance.

NM_001673.5(ASNS):c.211T>C (p.Trp71Arg)

Genes: ASNS (asparagine synthetase (glutamine-hydrolyzing); minus strand), CZ1P-ASNS (CZ1P-ASNS readthrough; minus strand). Cytogenetic location: 7q21.3.
Variant type: single nucleotide variant.
Coding change: c.211T>C on transcript NM_001673.5 (MANE Select); coding-DNA position 211, T replaced by C.
Protein change: p.Trp71Arg; replaces tryptophan 71 with arginine.
Molecular consequence: missense variant. On other transcripts: non-coding transcript variant (1), intron variant (2).
Genome position (GRCh38, 1-based): chr7:97,868,946, A>G on the plus strand (T>C on the coding strand, the complement: ASNS is on the minus strand). VCF-style: chr7-97868946-A-G. GRCh37 (hg19) VCF-style: chr7-97498258-A-G.
Other names: c.148T>C, p.Trp50Arg (NM_001178075.2); c.211T>C, p.Trp71Arg (NM_001352496.2, NM_133436.3, NM_183356.4); c.-1+3405T>C (NM_001178076.2); c.-1+3095T>C (NM_001178077.1); short protein forms W50R, W71R.
Identifiers: ClinVar variation 1959183 (VCV001959183.3), dbSNP rs762669786, ClinGen allele CA4354826.
Genomic context (GRCh38, chr7:97,868,946, plus strand): 5'-CATCTGGTTTCTTTCTCCTCACCTTCTTATGGTTGTAGATTTCACCATTGTAACAGAGCC[A>G]CAAATACGGATATTTCTTCACTCGAATTGGCTGCATTCCAAACAGCGGGTCAACTACCGC-3'
Protein context (NP_001664.3, residues 61-81): PIRVKKYPYL[Trp71Arg]LCYNGEIYNH